The following is an entry in ClinVar:

ClinVar aggregate classification (germline): Uncertain significance (1 of 4 stars; one submission).

Submission:

Labcorp Genetics (formerly Invitae), Labcorp
Classification: Uncertain significance. Last evaluated: 2024-05-06. Review status: criteria provided, single submitter. Criteria: Invitae Variant Classification Sherloc (09022015). Collection method: clinical testing. Allele origin: germline.
Comment: This sequence change falls in intron 6 of the FRMD7 gene. It does not directly change the encoded amino acid sequence of the FRMD7 protein. It affects a nucleotide within the consensus splice site. This variant is not present in population databases (gnomAD no frequency). This variant has not been reported in the literature in individuals affected with FRMD7-related conditions. Variants that disrupt the consensus splice site are a relatively common cause of aberrant splicing (PMID: 17576681, 9536098). Algorithms developed to predict the effect of sequence changes on RNA splicing suggest that this variant may disrupt the consensus splice site. In summary, the available evidence is currently insufficient to determine the role of this variant in disease. Therefore, it has been classified as a Variant of Uncertain Significance.

Literature cited by the submitters: PubMed 17576681; PubMed 9536098.

NM_194277.3(FRMD7):c.497+2dup

Gene: FRMD7 (FERM domain containing 7; minus strand). Cytogenetic location: Xq26.2.
Variant type: Duplication.
Coding change: c.497+2dup on transcript NM_194277.3 (MANE Select); the canonical splice donor site of the intron after coding-DNA position 497, one base duplicated (T; older notation c.497+2dupT).
Molecular consequence: splice donor variant.
Genome position (GRCh38, 1-based): chrX:132,085,918, A duplicated on the plus strand (T on the coding strand, the reverse complement: FRMD7 is on the minus strand). VCF-style (leftmost placement, unchanged base first): chrX-132085917-T-TA. GRCh37 (hg19) VCF-style: chrX-131219945-T-TA.
Other names: c.452+2dup (NM_001306193.2).
Identifiers: ClinVar variation 3652262 (VCV003652262.2).